The following is an entry in ClinVar:

NM_000138.5(FBN1):c.1572del (p.Arg525fs)

Gene: FBN1 (fibrillin 1; minus strand). Cytogenetic location: 15q21.1.
Variant type: Deletion.
Coding change: c.1572del on transcript NM_000138.5 (MANE Select); coding-DNA position 1572, one base deleted (G; older notation c.1572delG).
Protein change: p.Arg525fs; shifts the reading frame from arginine 525.
Molecular consequence: frameshift variant.
Genome position (GRCh38, 1-based): chr15:48,513,565, C deleted on the plus strand (G on the coding strand, the reverse complement: FBN1 is on the minus strand). VCF-style (leftmost placement, unchanged base first): chr15-48513564-GC-G. GRCh37 (hg19) VCF-style: chr15-48805761-GC-G.
Other names: c.1572delG (NM_000138.4); short protein forms R525fs.
Identifiers: ClinVar variation 406370 (VCV000406370.7), dbSNP rs1060501096, ClinGen allele CA16614829.

ClinVar aggregate classification (germline): Pathogenic. Review status: criteria provided, single submitter (1 of 4 stars). 2 submissions from 1 submitter: Pathogenic (2). Last evaluated 2016-11-26.

Conditions:
Marfan syndrome (MFS). Also called: Marfan syndrome, classic; Marfan syndrome type 1; Marfan's syndrome; MARFAN SYNDROME, TYPE I; FBN1-Related Marfan Syndrome. Identifiers: Orphanet 284963, Orphanet 558, MedGen C0024796, MONDO:0007947, OMIM 154700.
Familial thoracic aortic aneurysm and aortic dissection (TAAD). Also called: Thoracic aortic aneurysms and dissections. Identifiers: Orphanet 91387, MedGen C4707243, MONDO:0019625.

Submissions (2):

Labcorp Genetics (formerly Invitae), Labcorp
Classification: Pathogenic for Marfan syndrome. Last evaluated: 2016-11-26. Review status: criteria provided, single submitter. Criteria: Invitae Variant Classification Sherloc (09022015). Collection method: clinical testing. Allele origin: germline.
Comment: This sequence change deletes 1 nucleotide in exon 13 of the FBN1 mRNA (c.1572delG), causing a frameshift at codon 525. This creates a premature translational stop signal (p.Arg525Glyfs*54) and is expected to result in an absent or disrupted protein product. While this particular variant has not been reported in the literature, loss-of-function variants in FBN1 are known to be pathogenic (PMID: 17657824, 19293843). For these reasons, this variant has been classified as Pathogenic.

Labcorp Genetics (formerly Invitae), Labcorp
Classification: Pathogenic for Marfan syndrome; Familial thoracic aortic aneurysm and aortic dissection. Last evaluated: 2016-11-26. Review status: criteria provided, single submitter. Criteria: Invitae Variant Classification Sherloc (09022015). Collection method: clinical testing. Allele origin: germline.
Comment: This sequence change deletes 1 nucleotide in exon 13 of the FBN1 mRNA (c.1572delG), causing a frameshift at codon 525. This creates a premature translational stop signal (p.Arg525Glyfs*54) and is expected to result in an absent or disrupted protein product. For these reasons, this variant has been classified as Pathogenic. While this particular variant has not been reported in the literature, loss-of-function variants in FBN1 are known to be pathogenic (PMID: 17657824, 19293843).

Literature cited by the submitters: PubMed 17657824; PubMed 19293843.